The following is an entry in ClinVar:

NM_201253.3(CRB1):c.3091G>A (p.Asp1031Asn)

Gene: CRB1 (crumbs cell polarity complex component 1; plus strand). Cytogenetic location: 1q31.3.
Variant type: single nucleotide variant.
Coding change: c.3091G>A on transcript NM_201253.3 (MANE Select); coding-DNA position 3091, G replaced by A.
Protein change: p.Asp1031Asn; replaces aspartic acid 1031 with asparagine.
Molecular consequence: missense variant. On other transcripts: non-coding transcript variant (2), intron variant (1).
Genome position (GRCh38, 1-based): chr1:197,434,954, G>A. VCF-style: chr1-197434954-G-A. GRCh37 (hg19) VCF-style: chr1-197404084-G-A.
Other names: c.2755G>A, p.Asp919Asn (NM_001193640.2); c.3019G>A, p.Asp1007Asn (NM_001257965.2); c.2129-646G>A (NM_001257966.2); short protein forms D1007N, D1031N, D919N.
Identifiers: ClinVar variation 1304531 (VCV001304531.6), dbSNP rs2125499421, ClinGen allele CA344045388.

ClinVar aggregate classification (germline): Conflicting classifications of pathogenicity. Review status: criteria provided, conflicting classifications (1 of 4 stars). 2 submissions from 2 submitters: Pathogenic (1); Uncertain significance (1). Last evaluated 2022-09-25.

Conditions:
Retinitis pigmentosa 12 (RP12). Also called: RP WITH OR WITHOUT PRESERVED PARAARTERIOLE RETINAL PIGMENT EPITHELIUM; RETINITIS PIGMENTOSA WITH OR WITHOUT PARAARTERIOLAR PRESERVATION OF RETINAL PIGMENT EPITHELIUM; RP WITH OR WITHOUT PPRPE. Identifiers: Orphanet 791, MedGen C1838647, MONDO:0010818, OMIM 600105.
Leber congenital amaurosis 8 (LCA8). Identifiers: Orphanet 65, MedGen C3151202, MONDO:0013453, OMIM 613835.

Submissions (2):

Labcorp Genetics (formerly Invitae), Labcorp
Classification: Pathogenic for Leber congenital amaurosis 8; Retinitis pigmentosa 12. Last evaluated: 2022-09-25. Review status: criteria provided, single submitter. Criteria: Invitae Variant Classification Sherloc (09022015). Collection method: clinical testing. Allele origin: germline.
Comment: This sequence change replaces aspartic acid, which is acidic and polar, with asparagine, which is neutral and polar, at codon 1031 of the CRB1 protein (p.Asp1031Asn). This variant is not present in population databases (gnomAD no frequency). This missense change has been observed in individual(s) with inherited retinal dystrophy (PMID: 28819299; Invitae). In at least one individual the data is consistent with being in trans (on the opposite chromosome) from a pathogenic variant. ClinVar contains an entry for this variant (Variation ID: 1304531). Advanced modeling of protein sequence and biophysical properties (such as structural, functional, and spatial information, amino acid conservation, physicochemical variation, residue mobility, and thermodynamic stability) has been performed at Invitae for this missense variant, however the output from this modeling did not meet the statistical confidence thresholds required to predict the impact of this variant on CRB1 protein function. For these reasons, this variant has been classified as Pathogenic.

GeneDx
Classification: Uncertain significance. Last evaluated: 2020-01-06. Review status: criteria provided, single submitter. Criteria: GeneDx Variant Classification Process June 2021. Collection method: clinical testing. Allele origin: germline. Affected: yes.
Comment: Not observed in large population cohorts (Lek et al., 2016); In silico analysis, which includes protein predictors and evolutionary conservation, supports a deleterious effect; Observed with a different missense variant of unknown phase in an individual diagnosed with cone-rod dystrophy who presented with reduced central visual acuity in childhood and showed an atypical fundus pattern in published literature (Motta et al., 2017); This variant is associated with the following publications: (PMID: 28819299)

Literature cited by the submitters: PubMed 28819299 (cited by Labcorp Genetics (formerly Invitae), Labcorp).